The following is an entry in ClinVar:

NM_001350451.2(RBFOX3):c.215C>G (p.Thr72Arg)

Gene: RBFOX3 (RNA binding fox-1 homolog 3; minus strand). Cytogenetic location: 17q25.3.
Variant type: single nucleotide variant.
Coding change: c.215C>G on transcript NM_001350451.2 (MANE Select); coding-DNA position 215, C replaced by G.
Protein change: p.Thr72Arg; replaces threonine 72 with arginine.
Molecular consequence: missense variant.
Genome position (GRCh38, 1-based): chr17:79,115,501, G>C on the plus strand (C>G on the coding strand, the complement: RBFOX3 is on the minus strand). VCF-style: chr17-79115501-G-C. GRCh37 (hg19) VCF-style: chr17-77111583-G-C.
Other names: c.215C>G, p.Thr72Arg (NM_001082575.3, NM_001350453.2, NM_001385804.1 and 43 more transcripts); c.215C>G (NM_001082575.1); short protein forms T72R.
Identifiers: ClinVar variation 1491449 (VCV001491449.10), dbSNP rs1372121041, ClinGen allele CA401317844.

ClinVar aggregate classification (germline): Uncertain significance. Review status: criteria provided, multiple submitters, no conflicts (2 of 4 stars). 2 submissions from 2 submitters: Uncertain significance (2). Last evaluated 2023-06-21.

Conditions:
Idiopathic generalized epilepsy. Also called: Generalised epilepsy; EIG. Identifiers: MedGen C0270850, MONDO:0005579, OMIM 600669.

gnomAD v4.1: 5 of 1,336,990 alleles (0.00037%); highest among the groups gnomAD compares: Middle Eastern, 0.039%; no homozygotes.

Submissions (2):

Ambry Genetics
Classification: Uncertain significance. Last evaluated: 2023-06-21. Review status: criteria provided, single submitter. Criteria: Ambry Variant Classification Scheme 2023. Collection method: clinical testing. Allele origin: germline.

Labcorp Genetics (formerly Invitae), Labcorp
Classification: Uncertain significance for Idiopathic generalized epilepsy. Last evaluated: 2022-06-20. Review status: criteria provided, single submitter. Criteria: Invitae Variant Classification Sherloc (09022015). Collection method: clinical testing. Allele origin: germline.
Comment: This sequence change replaces threonine, which is neutral and polar, with arginine, which is basic and polar, at codon 72 of the RBFOX3 protein (p.Thr72Arg). This variant is present in population databases (no rsID available, gnomAD 0.01%). This variant has not been reported in the literature in individuals affected with RBFOX3-related conditions. Algorithms developed to predict the effect of missense changes on protein structure and function (SIFT, PolyPhen-2, Align-GVGD) all suggest that this variant is likely to be tolerated. In summary, the available evidence is currently insufficient to determine the role of this variant in disease. Therefore, it has been classified as a Variant of Uncertain Significance.